The following is an entry in ClinVar:

NM_000070.3(CAPN3):c.1382G>A (p.Arg461His)

Genes: CAPN3 (calpain 3; plus strand), LOC130056921 (ATAC-STARR-seq lymphoblastoid active region 9300; plus strand). Cytogenetic location: 15q15.1.
Variant type: single nucleotide variant.
Coding change: c.1382G>A on transcript NM_000070.3 (MANE Select); coding-DNA position 1382, G replaced by A.
Protein change: p.Arg461His; replaces arginine 461 with histidine.
Molecular consequence: missense variant.
Genome position (GRCh38, 1-based): chr15:42,401,668, G>A. VCF-style: chr15-42401668-G-A. GRCh37 (hg19) VCF-style: chr15-42693866-G-A.
Other names: c.1382G>A, p.Arg461His (NM_024344.2); c.1238G>A, p.Arg413His (NM_173087.2); short protein forms R461H, R413H.
Identifiers: ClinVar variation 645343 (VCV000645343.5), dbSNP rs767398783, ClinGen allele CA7511346.

ClinVar aggregate classification (germline): Uncertain significance. Review status: criteria provided, multiple submitters, no conflicts (2 of 4 stars). 3 submissions from 3 submitters: Uncertain significance (2). 1 of the submissions does not count toward it. Last evaluated 2023-01-31.

Conditions:
Autosomal recessive limb-girdle muscular dystrophy. Identifiers: Orphanet 102015, MedGen C2931907, MONDO:0015152.
Autosomal recessive limb-girdle muscular dystrophy type 2A (LGMDR1). Also called: LEYDEN-MOEBIUS MUSCULAR DYSTROPHY; MUSCULAR DYSTROPHY, PELVOFEMORAL; Limb-girdle muscular dystrophy, type 2A; Muscular dystrophy, limb-girdle, type 2A, Amish; Calpainopathy. Identifiers: Orphanet 267, MedGen C1869123, MONDO:0009675, OMIM 253600. Disease mechanism: loss of function.

Allele frequency attached by ClinVar (database versions not stated): gnomAD exomes 0.00002 and 0.00001; ExAC 0.00001; gnomAD 0.00001; TOPMed 0.00001.
gnomAD v4.1: 26 of 1,613,988 alleles (0.0016%); highest among the groups gnomAD compares: Middle Eastern, 0.016%; no homozygotes.

Submissions (3):

Department of Pathology and Laboratory Medicine, Sinai Health System
Classification: Uncertain significance for autosomal recessive limb-girdle muscular dystrophy. Last evaluated: 2023-01-31. Review status: criteria provided, single submitter. Criteria: ACMG Guidelines, 2015. Collection method: research. Allele origin: germline.

Labcorp Genetics (formerly Invitae), Labcorp
Classification: Uncertain significance for Autosomal recessive limb-girdle muscular dystrophy type 2A. Last evaluated: 2021-08-27. Review status: criteria provided, single submitter. Criteria: Invitae Variant Classification Sherloc (09022015). Collection method: clinical testing. Allele origin: germline.
Comment: This sequence change replaces arginine with histidine at codon 461 of the CAPN3 protein (p.Arg461His). The arginine residue is highly conserved and there is a small physicochemical difference between arginine and histidine. This variant is present in population databases (rs767398783, ExAC 0.006%). This variant has not been reported in the literature in individuals affected with CAPN3-related conditions. Algorithms developed to predict the effect of missense changes on protein structure and function are either unavailable or do not agree on the potential impact of this missense change (SIFT: "Deleterious"; PolyPhen-2: "Probably Damaging"; Align-GVGD: "Class C0"). In summary, the available evidence is currently insufficient to determine the role of this variant in disease. Therefore, it has been classified as a Variant of Uncertain Significance.

Natera, Inc.
Classification: Uncertain significance for Limb-girdle muscular dystrophy type 2A. Last evaluated: 2020-09-16. Review status: no assertion criteria provided. Collection method: clinical testing. Allele origin: germline. Not counted in ClinVar's aggregate classification.